The following is an entry in ClinVar:

NM_182961.4(SYNE1):c.9821G>A (p.Arg3274Lys)

Gene: SYNE1 (spectrin repeat containing nuclear envelope protein 1; minus strand). Cytogenetic location: 6q25.2.
Variant type: single nucleotide variant.
Coding change: c.9821G>A on transcript NM_182961.4 (MANE Select); coding-DNA position 9821, G replaced by A.
Protein change: p.Arg3274Lys; replaces arginine 3274 with lysine.
Molecular consequence: missense variant.
Genome position (GRCh38, 1-based): chr6:152,367,369, C>T on the plus strand (G>A on the coding strand, the complement: SYNE1 is on the minus strand). VCF-style: chr6-152367369-C-T. GRCh37 (hg19) VCF-style: chr6-152688504-C-T.
Other names: c.9842G>A, p.Arg3281Lys (NM_033071.5); short protein forms R3274K, R3281K.
Identifiers: ClinVar variation 1031027 (VCV001031027.1), dbSNP rs2097100149, ClinGen allele CA366136163.

ClinVar aggregate classification (germline): Uncertain significance (1 of 4 stars; one submission).

Conditions:
Autosomal recessive ataxia, Beauce type. Also called: Spinocerebellar ataxia, autosomal recessive 8; ATAXIA, RECESSIVE, OF BEAUCE; SYNE1 Deficiency; SYNE1-Related Autosomal Recessive Cerebellar Ataxia. Identifiers: Orphanet 88644, MedGen C1853116, MONDO:0012549, OMIM 610743.

Submission:

Baylor Genetics
Classification: Uncertain significance for Autosomal recessive ataxia, Beauce type. Last evaluated: 2019-08-23. Review status: criteria provided, single submitter. Criteria: ACMG Guidelines, 2015. Collection method: clinical testing. Allele origin: unknown. Affected: yes.
Comment: This variant was determined to be of uncertain significance according to ACMG Guidelines, 2015 [PMID:25741868].